The following is an entry in ClinVar:

ClinVar aggregate classification (germline): Uncertain significance (1 of 4 stars; one submission).

Conditions:
Hereditary pancreatitis (PCTT). Also called: Hereditary chronic pancreatitis; PRSS1-Related Hereditary Pancreatitis. Identifiers: Orphanet 676, MedGen C0238339, MONDO:0008185, OMIM 167800.

Submission:

Ambry Genetics
Classification: Uncertain significance for Hereditary pancreatitis. Last evaluated: 2022-03-16. Review status: criteria provided, single submitter. Criteria: Ambry Variant Classification Scheme 2023. Collection method: clinical testing. Allele origin: germline.
Comment: The p.G219D variant (also known as c.656G>A), located in coding exon 5 of the PRSS1 gene, results from a G to A substitution at nucleotide position 656. The glycine at codon 219 is replaced by aspartic acid, an amino acid with similar properties. This amino acid position is conserved. In addition, this alteration is predicted to be deleterious by in silico analysis. Since supporting evidence is limited at this time, the clinical significance of this alteration remains unclear.

NM_002769.5(PRSS1):c.656G>A (p.Gly219Asp)

Genes: TRB (T cell receptor beta locus; plus strand), PRSS1 (serine protease 1; plus strand). Cytogenetic location: 7q34.
Variant type: single nucleotide variant.
Coding change: c.656G>A on transcript NM_002769.5 (MANE Select); coding-DNA position 656, G replaced by A.
Protein change: p.Gly219Asp; replaces glycine 219 with aspartic acid.
Molecular consequence: missense variant. On other transcripts: non-coding transcript variant (5).
Genome position (GRCh38, 1-based): chr7:142,752,932, G>A. VCF-style: chr7-142752932-G-A. GRCh37 (hg19) VCF-style: chr7-142460783-G-A.
Other names: short protein forms G219D.
Identifiers: ClinVar variation 1754234 (VCV001754234.2), dbSNP rs2485769074, ClinGen allele CA369610733.